The following is an entry in ClinVar:

NM_004385.5(VCAN):c.5884G>A (p.Ala1962Thr)

Genes: VCAN (versican; plus strand), VCAN-AS1 (VCAN antisense RNA 1; minus strand). Cytogenetic location: 5q14.3.
Variant type: single nucleotide variant.
Coding change: c.5884G>A on transcript NM_004385.5 (MANE Select); coding-DNA position 5884, G replaced by A.
Protein change: p.Ala1962Thr; replaces alanine 1962 with threonine.
Molecular consequence: missense variant. On other transcripts: intron variant (2).
Genome position (GRCh38, 1-based): chr5:83,538,887, G>A. VCF-style: chr5-83538887-G-A. GRCh37 (hg19) VCF-style: chr5-82834706-G-A.
Other names: c.2923G>A, p.Ala975Thr (NM_001164097.2); c.4004-6650G>A (NM_001164098.2); c.1043-6650G>A (NM_001126336.3); short protein forms A975T, A1962T.
Identifiers: ClinVar variation 3682112 (VCV003682112.2).
Genomic context (GRCh38, chr5:83,538,887, plus strand): 5'-TCAACAGTGTCTCATCCCATAGCAAAAGAAGAAACGGTAATGATGGAAGGCTCTGGAGAT[G>A]CAGCATTTAGGGACACCCAGACTTCACCATCTACAGTACCTACTTCAGTTCACATCAGTC-3'
Protein context (NP_004376.2, residues 1952-1972): ETVMMEGSGD[Ala1962Thr]AFRDTQTSPS

ClinVar aggregate classification (germline): Uncertain significance (1 of 4 stars; one submission).

gnomAD v4.1: 1 of 1,613,960 alleles (0.000062%); no homozygotes.

Submission:

Labcorp Genetics (formerly Invitae), Labcorp
Classification: Uncertain significance. Last evaluated: 2024-03-29. Review status: criteria provided, single submitter. Criteria: Invitae Variant Classification Sherloc (09022015). Collection method: clinical testing. Allele origin: germline.
Comment: This sequence change replaces alanine, which is neutral and non-polar, with threonine, which is neutral and polar, at codon 1962 of the VCAN protein (p.Ala1962Thr). This variant is not present in population databases (gnomAD no frequency). This variant has not been reported in the literature in individuals affected with VCAN-related conditions. Algorithms developed to predict the effect of missense changes on protein structure and function output the following: SIFT: "Not Available"; PolyPhen-2: "Benign"; Align-GVGD: "Not Available". The threonine amino acid residue is found in multiple mammalian species, which suggests that this missense change does not adversely affect protein function. In summary, the available evidence is currently insufficient to determine the role of this variant in disease. Therefore, it has been classified as a Variant of Uncertain Significance.